The following is an entry in ClinVar:

ClinVar aggregate classification (germline): Pathogenic (1 of 4 stars; one submission).

Conditions:
Mucopolysaccharidosis type 1. Also called: IDUA deficiency; MPS I; Mucopolysaccharidosis Type I. Identifiers: Orphanet 579, MedGen C0023786, MONDO:0001586.

Submission:

Labcorp Genetics (formerly Invitae), Labcorp
Classification: Pathogenic for Mucopolysaccharidosis type 1. Last evaluated: 2024-08-19. Review status: criteria provided, single submitter. Criteria: Invitae Variant Classification Sherloc (09022015). Collection method: clinical testing. Allele origin: germline.
Comment: This sequence change creates a premature translational stop signal (p.Arg105Glyfs*3) in the IDUA gene. It is expected to result in an absent or disrupted protein product. Loss-of-function variants in IDUA are known to be pathogenic (PMID: 11735025, 21480867). This variant is not present in population databases (gnomAD no frequency). This variant has not been reported in the literature in individuals affected with IDUA-related conditions. For these reasons, this variant has been classified as Pathogenic.

Literature cited by the submitters: PubMed 11735025; PubMed 21480867.

NM_000203.5(IDUA):c.312del (p.Arg105fs)

Gene: IDUA (alpha-L-iduronidase; plus strand). Cytogenetic location: 4p16.3.
Variant type: Deletion.
Coding change: c.312del on transcript NM_000203.5 (MANE Select); coding-DNA position 312, one base deleted (A; older notation c.312delA).
Protein change: p.Arg105fs; shifts the reading frame from arginine 105.
Molecular consequence: frameshift variant. On other transcripts: 5 prime UTR variant (1), non-coding transcript variant (1).
Genome position (GRCh38, 1-based): chr4:1,000,624, A deleted. VCF-style (leftmost placement, unchanged base first): chr4-1000623-GA-G. GRCh37 (hg19) VCF-style: chr4-994411-GA-G.
Other names: c.-85del (NM_001363576.1); short protein forms R105fs.
Identifiers: ClinVar variation 3649910 (VCV003649910.2).